The following is an entry in ClinVar:

ClinVar aggregate classification (germline): Pathogenic/Likely pathogenic. Review status: criteria provided, multiple submitters, no conflicts (2 of 4 stars). 3 submissions from 3 submitters: Pathogenic (1); Likely pathogenic (2). Last evaluated 2024-04-24.

Conditions:
LZTR1-related schwannomatosis. Also called: Schwannomatosis 2; Schwannomatosis-2, susceptibility to. Identifiers: Orphanet 93921, MedGen C3810283, MONDO:0014299, OMIM 615670.

gnomAD v4.1: 1 of 1,613,986 alleles (0.000062%); highest among the groups gnomAD compares: Non-Finnish European, 0.000085%; no homozygotes.

Submissions (3):

Labcorp Genetics (formerly Invitae), Labcorp
Classification: Pathogenic. Last evaluated: 2024-04-24. Review status: criteria provided, single submitter. Criteria: Invitae Variant Classification Sherloc (09022015). Collection method: clinical testing. Allele origin: germline.
Comment: This sequence change creates a premature translational stop signal (p.Glu345*) in the LZTR1 gene. It is expected to result in an absent or disrupted protein product. Loss-of-function variants in LZTR1 are known to be pathogenic (PMID: 24362817, 25335493, 25480913, 25795793, 29469822, 30368668, 30442762, 30442766, 30481304, 30859559). This variant is not present in population databases (gnomAD no frequency). This premature translational stop signal has been observed in individual(s) with neurodevelopmental disorder (PMID: 28191889). ClinVar contains an entry for this variant (Variation ID: 1454586). For these reasons, this variant has been classified as Pathogenic.

Baylor Genetics
Classification: Likely pathogenic for LZTR1-related schwannomatosis. Last evaluated: 2023-06-18. Review status: criteria provided, single submitter. Criteria: ACMG Guidelines, 2015. Collection method: clinical testing. Allele origin: unknown.

GeneDx
Classification: Likely pathogenic. Last evaluated: 2022-03-18. Review status: criteria provided, single submitter. Criteria: GeneDx Variant Classification Process June 2021. Collection method: clinical testing. Allele origin: germline. Affected: yes.
Comment: Nonsense variant predicted to result in protein truncation or nonsense mediated decay in a gene for which loss-of-function is a known mechanism of disease; Not observed at significant frequency in large population cohorts (gnomAD); Observed in the heterozygous state without a second variant in the LZTR1 gene in a proband from a cohort of individuals with neurodevelopmental delay (Stressman et al., 2017); This variant is associated with the following publications: (PMID: 28191889)

Literature cited by the submitters: PubMed 24362817 (cited by Labcorp Genetics (formerly Invitae), Labcorp); PubMed 25335493 (cited by Labcorp Genetics (formerly Invitae), Labcorp); PubMed 25480913 (cited by Labcorp Genetics (formerly Invitae), Labcorp); PubMed 25795793 (cited by Labcorp Genetics (formerly Invitae), Labcorp); PubMed 29469822 (cited by Labcorp Genetics (formerly Invitae), Labcorp); PubMed 30368668 (cited by Labcorp Genetics (formerly Invitae), Labcorp); PubMed 30442762 (cited by Labcorp Genetics (formerly Invitae), Labcorp); PubMed 30442766 (cited by Labcorp Genetics (formerly Invitae), Labcorp); PubMed 30481304 (cited by Labcorp Genetics (formerly Invitae), Labcorp); PubMed 30859559 (cited by Labcorp Genetics (formerly Invitae), Labcorp); PubMed 28191889 (cited by Labcorp Genetics (formerly Invitae), Labcorp).

NM_006767.4(LZTR1):c.1033G>T (p.Glu345Ter)

Gene: LZTR1 (leucine zipper like post translational regulator 1; plus strand). Cytogenetic location: 22q11.21.
Variant type: single nucleotide variant.
Coding change: c.1033G>T on transcript NM_006767.4 (MANE Select); coding-DNA position 1033, G replaced by T.
Protein change: p.Glu345Ter; replaces glutamic acid 345 with a stop codon.
Molecular consequence: nonsense.
Genome position (GRCh38, 1-based): chr22:20,992,253, G>T. VCF-style: chr22-20992253-G-T. GRCh37 (hg19) VCF-style: chr22-21346542-G-T.
Other names: short protein forms E345*.
Identifiers: ClinVar variation 1454586 (VCV001454586.8), dbSNP rs761956867, ClinGen allele CA410781836.